The following is an entry in ClinVar:

NM_000557.5(GDF5):c.560G>T (p.Gly187Val)

Gene: GDF5 (growth differentiation factor 5; minus strand). Cytogenetic location: 20q11.22.
Variant type: single nucleotide variant.
Coding change: c.560G>T on transcript NM_000557.5 (MANE Select); coding-DNA position 560, G replaced by T.
Protein change: p.Gly187Val; replaces glycine 187 with valine.
Molecular consequence: missense variant.
Genome position (GRCh38, 1-based): chr20:35,437,369, C>A on the plus strand (G>T on the coding strand, the complement: GDF5 is on the minus strand). VCF-style: chr20-35437369-C-A. GRCh37 (hg19) VCF-style: chr20-34025149-C-A.
Other names: c.560G>T, p.Gly187Val (NM_001319138.2); short protein forms G187V.
Identifiers: ClinVar variation 3654445 (VCV003654445.2).

ClinVar aggregate classification (germline): Uncertain significance (1 of 4 stars; one submission).

Submission:

Labcorp Genetics (formerly Invitae), Labcorp
Classification: Uncertain significance. Last evaluated: 2024-05-23. Review status: criteria provided, single submitter. Criteria: Invitae Variant Classification Sherloc (09022015). Collection method: clinical testing. Allele origin: germline.
Comment: This sequence change replaces glycine, which is neutral and non-polar, with valine, which is neutral and non-polar, at codon 187 of the GDF5 protein (p.Gly187Val). This variant is not present in population databases (gnomAD no frequency). This variant has not been reported in the literature in individuals affected with GDF5-related conditions. Advanced modeling of protein sequence and biophysical properties (such as structural, functional, and spatial information, amino acid conservation, physicochemical variation, residue mobility, and thermodynamic stability) performed at Invitae indicates that this missense variant is not expected to disrupt GDF5 protein function with a negative predictive value of 80%. Algorithms developed to predict the effect of sequence changes on RNA splicing suggest that this variant may disrupt the consensus splice site. In summary, the available evidence is currently insufficient to determine the role of this variant in disease. Therefore, it has been classified as a Variant of Uncertain Significance.